The following is an entry in ClinVar:

NM_007294.4(BRCA1):c.4097-2A>G

Gene: BRCA1 (BRCA1 DNA repair associated; minus strand). Cytogenetic location: 17q21.31.
Variant type: single nucleotide variant.
Coding change: c.4097-2A>G on transcript NM_007294.4 (MANE Select); the canonical splice acceptor site of the intron before coding-DNA position 4097, A replaced by G.
Molecular consequence: splice acceptor variant. On other transcripts: intron variant (1).
Genome position (GRCh38, 1-based): chr17:43,091,034, T>C on the plus strand (A>G on the coding strand, the complement: BRCA1 is on the minus strand). VCF-style: chr17-43091034-T-C. GRCh37 (hg19) VCF-style: chr17-41243051-T-C.
Other names: IVS11-2A>G; c.521-2A>G (NM_001408504.1, NM_001408503.1, NM_001408505.1); c.644-2A>G (NM_001408463.1, NM_001408462.1, NM_001408465.1 and 3 more transcripts); c.3953-2A>G (NM_001407847.1, NM_001407740.1, NM_001407841.1 and 20 more transcripts); c.524-2A>G (NM_001408499.1, NM_001408501.1, NM_001408500.1 and 3 more transcripts); c.3833-2A>G (NM_001407933.1, NM_001407927.1, NM_001407923.1 and 9 more transcripts); c.3956-2A>G (NM_001407739.1, NM_001407725.1, NM_001407727.1 and 29 more transcripts); c.671-2A>G (NM_001408422.1, NM_001408418.1, NM_001408423.1 and 2 more transcripts); and 42 more.
Identifiers: ClinVar variation 55103 (VCV000055103.40), dbSNP rs80358019, ClinGen allele CA002627.

ClinVar aggregate classification (germline): Pathogenic. Review status: reviewed by expert panel (3 of 4 stars). 9 submissions from 9 submitters: Pathogenic (1). 8 of the submissions do not count toward it. Last evaluated 2019-06-18.

Conditions:
BRCA1-related disorder. Also called: BRCA1-related condition.
Breast-ovarian cancer, familial, susceptibility to, 1 (BROVCA1). Also called: BRCA1 Hereditary Breast and Ovarian Cancer; OVARIAN CANCER, SUSCEPTIBILITY TO. Identifiers: Orphanet 145, MedGen C2676676, MONDO:0011450, OMIM 604370. Disease mechanism: loss of function.
Hereditary cancer-predisposing syndrome. Also called: Hereditary Cancer Syndrome; Hereditary neoplastic syndrome; Neoplastic Syndromes, Hereditary; Tumor predisposition. Identifiers: Orphanet 140162, MedGen C0027672, MeSH D009386, MONDO:0015356.
Hereditary breast ovarian cancer syndrome. Also called: BRCA1- and BRCA2-Associated Hereditary Breast and Ovarian Cancer; Hereditary breast and ovarian cancer syndrome; Hereditary breast and ovarian cancer syndrome (HBOC); Breast and ovarian cancer; Hereditary breast and/or ovarian cancer syndrome; Hereditary breast and ovarian cancer. Identifiers: Orphanet 145, MedGen C0677776, MeSH D061325, MONDO:0003582. Disease mechanism: loss of function.

Allele frequency attached by ClinVar (database versions not stated): gnomAD 0.00001; gnomAD exomes below 0.00001.
gnomAD v4.1: 2 of 1,610,714 alleles (0.00012%); no homozygotes.

Submissions (9):

Evidence-based Network for the Interpretation of Germline Mutant Alleles (ENIGMA)
Classification: Pathogenic for Breast-ovarian cancer, familial, susceptibility to, 1. Last evaluated: 2019-06-18. Review status: reviewed by expert panel. Criteria: ENIGMA BRCA1/2 Classification Criteria (2017-06-29). Collection method: curation. Allele origin: germline.
Comment: IARC class based on posterior probability from multifactorial likelihood analysis, thresholds for class as per Plon et al. 2008 (PMID: 18951446). Class 5 based on posterior probability = 0.992685

Blueprint Genetics
Classification: Pathogenic for BRCA1-related disorders. Last evaluated: 2024-11-23. Review status: criteria provided, single submitter. Criteria: ACMG Guidelines, 2015. Collection method: clinical testing. Allele origin: germline. Affected: yes. Observed: 4 variant alleles. Not counted in ClinVar's aggregate classification.

Ambry Genetics
Classification: Likely pathogenic for Hereditary cancer-predisposing syndrome. Last evaluated: 2022-12-20. Review status: criteria provided, single submitter. Criteria: Ambry Variant Classification Scheme 2023. Collection method: clinical testing. Allele origin: germline. Not counted in ClinVar's aggregate classification.
Comment: The c.4097-2A>G intronic variant results from a A to G substitution two nucleotide(s) before coding exon 10 of the BRCA1 gene. This alteration was reported in a cohort of 100 Finnish HBOC families, in individuals with early onset breast cancers and/or bilateral breast cancers (Vehmanen P et al. Hum. Mol. Genet. 1997 Dec;6(13):2309-15). A multifactorial likelihood ratio analysis calculated a posterior probability that classified this alteration as pathogenic (Parsons MT et al. Hum. Mutat., 2019 09;40:1557-1578). This variant is considered to be rare based on population cohorts in the Genome Aggregation Database (gnomAD). In silico splice site analysis predicts that this alteration will weaken the native splice acceptor site and will result in the creation or strengthening of a novel splice acceptor site. RNA studies have demonstrated that this alteration results in abnormal splicing in the set of samples tested (Ambry internal data). This nucleotide position is highly conserved in available vertebrate species. In addition to the clinical data presented in the literature, alterations that disrupt the canonical splice site are expected to cause aberrant splicing, resulting in an abnormal protein or a transcript that is subject to nonsense-mediated mRNA decay. As such, this alteration is classified as likely pathogenic.

Labcorp Genetics (formerly Invitae), Labcorp
Classification: Pathogenic for Hereditary breast ovarian cancer syndrome. Last evaluated: 2022-08-04. Review status: criteria provided, single submitter. Criteria: Invitae Variant Classification Sherloc (09022015). Collection method: clinical testing. Allele origin: germline. Not counted in ClinVar's aggregate classification.
Comment: This sequence change affects an acceptor splice site in intron 10 of the BRCA1 gene. It is expected to disrupt RNA splicing. Variants that disrupt the donor or acceptor splice site typically lead to a loss of protein function (PMID: 16199547), and loss-of-function variants in BRCA1 are known to be pathogenic (PMID: 20104584). This variant is not present in population databases (gnomAD no frequency). Disruption of this splice site has been observed in individual(s) with a personal and/or family history of breast and/or ovarian cancer (PMID: 9361038, 29446198). This variant is also known as Exon 12 nt-2A>G. ClinVar contains an entry for this variant (Variation ID: 55103). For these reasons, this variant has been classified as Pathogenic. Algorithms developed to predict the effect of sequence changes on RNA splicing suggest that this variant may disrupt the consensus splice site. Based on a multifactorial likelihood algorithm using genetic, in silico, and/or statistical data, this variant has been determined to have a high probability of being pathogenic (PMID: 31131967).

Color Diagnostics, LLC DBA Color Health
Classification: Pathogenic for Hereditary cancer-predisposing syndrome. Last evaluated: 2021-07-06. Review status: criteria provided, single submitter. Criteria: ACMG Guidelines, 2015. Collection method: clinical testing. Allele origin: germline. Not counted in ClinVar's aggregate classification.
Comment: This variant causes an A>G nucleotide substitution at the -2 position of intron 10 of the BRCA1 gene. A functional RNA study has shown that this variant causes the insertion of one nucleotide, resulting in premature truncation and absence of functional protein (PMID: 10612843). This variant has been reported as a recurrent variant in Finnish hereditary breast and ovarian cancer families (PMID: 9361038, 9585608, 10612843, 23199084). This variant has not been identified in the general population by the Genome Aggregation Database (gnomAD). Loss of BRCA1 function is a known mechanism of disease. Based on the available evidence, this variant is classified as Pathogenic.

GeneDx
Classification: Pathogenic. Last evaluated: 2017-10-19. Review status: criteria provided, single submitter. Criteria: GeneDx Variant Classification (06012015). Collection method: clinical testing. Allele origin: germline. Affected: yes. Not counted in ClinVar's aggregate classification.
Comment: This variant is denoted BRCA1 c.4097-2A>G or IVS10-2A>G and consists of an A>G nucleotidesubstitution at the -2 position of intron 10 of the BRCA1 gene. Using alternate nomenclature, this variant would bedefined as BRCA1 4216-2A>G. This variant destroys a canonical splice acceptor site and is predicted to causeabnormal gene splicing, leading to either an abnormal message that is subject to nonsense-mediated mRNA decay orto an abnormal protein product. This variant has been reported in association with hereditary breast and ovariancancer and is considered to be a recurrent pathogenic variant in the Finnish population (Vehmanen 1997, Huusko1998, Hartikainen 2000, Janavicius 2010). Based on the current evidence, we consider this variant to be pathogenic

Consortium of Investigators of Modifiers of BRCA1/2 (CIMBA), c/o University of Cambridge
Classification: Pathogenic for Breast-ovarian cancer, familial, susceptibility to, 1. Last evaluated: 2015-10-02. Review status: criteria provided, single submitter. Criteria: CIMBA Mutation Classification guidelines May 2016. Collection method: clinical testing. Allele origin: germline. Not counted in ClinVar's aggregate classification.

BRCAlab, Lund University
Classification: Pathogenic for Breast-ovarian cancer, familial, susceptibility to, 1. Last evaluated: 2022-08-26. Review status: no assertion criteria provided. Collection method: clinical testing. Allele origin: germline. Affected: yes. Not counted in ClinVar's aggregate classification.

Breast Cancer Information Core (BIC) (BRCA1)
Classification: Pathogenic for Breast-ovarian cancer, familial 1. Last evaluated: 1999-06-21. Review status: no assertion criteria provided. Collection method: clinical testing. Allele origin: germline. Affected: yes. Observed: 3 variant alleles. Not counted in ClinVar's aggregate classification.

Literature cited by the submitters: PubMed 31131967 (cited by 3 submitters); PubMed 23199084 (cited by Ambry Genetics); PubMed 25525159 (cited by Ambry Genetics); PubMed 9361038 (cited by Ambry Genetics and Labcorp Genetics (formerly Invitae), Labcorp); PubMed 16199547 (cited by Labcorp Genetics (formerly Invitae), Labcorp); PubMed 20104584 (cited by Labcorp Genetics (formerly Invitae), Labcorp); PubMed 29446198 (cited by Labcorp Genetics (formerly Invitae), Labcorp).